The following is an entry in ClinVar:

NM_000083.3(CLCN1):c.395G>A (p.Ser132Asn)

Gene: CLCN1 (chloride voltage-gated channel 1; plus strand). Cytogenetic location: 7q34.
Variant type: single nucleotide variant.
Coding change: c.395G>A on transcript NM_000083.3 (MANE Select); coding-DNA position 395, G replaced by A.
Protein change: p.Ser132Asn; replaces serine 132 with asparagine.
Molecular consequence: missense variant. On other transcripts: non-coding transcript variant (1).
Genome position (GRCh38, 1-based): chr7:143,320,757, G>A. VCF-style: chr7-143320757-G-A. GRCh37 (hg19) VCF-style: chr7-143017850-G-A.
Other names: short protein forms S132N.
Identifiers: ClinVar variation 3339409 (VCV003339409.1).

ClinVar aggregate classification (germline): Uncertain significance (1 of 4 stars; one submission).

gnomAD v4.1: 1 of 1,613,812 alleles (0.000062%); highest among the groups gnomAD compares: Non-Finnish European, 0.000085%; no homozygotes.

Submission:

Women's Health and Genetics/Laboratory Corporation of America, LabCorp
Classification: Uncertain significance. Last evaluated: 2024-07-22. Review status: criteria provided, single submitter. Criteria: LabCorp Variant Classification Summary - May 2015. Collection method: clinical testing. Allele origin: germline.
Comment: Variant summary: CLCN1 c.395G>A (p.Ser132Asn) results in a conservative amino acid change in the encoded protein sequence. Four of five in-silico tools predict a damaging effect of the variant on protein function. The variant was absent in 251492 control chromosomes. The available data on variant occurrences in the general population are insufficient to allow any conclusion about variant significance. To our knowledge, no occurrence of c.395G>A in individuals affected with Myotonia congenita and no experimental evidence demonstrating its impact on protein function have been reported. No submitters have cited clinical-significance assessments for this variant to ClinVar. Based on the evidence outlined above, the variant was classified as uncertain significance.